The following continues an entry in ClinVar:

NM_000152.5(GAA):c.1802C>T (p.Ser601Leu)

Gene: GAA. ClinVar aggregate classification (germline): Pathogenic. Pathogenic (1).

Submissions 9 to 12 of 12:

Women's Health and Genetics/Laboratory Corporation of America, LabCorp
Classification: Pathogenic for Glycogen storage disease, type II. Last evaluated: 2021-07-27. Review status: criteria provided, single submitter. Criteria: LabCorp Variant Classification Summary - May 2015. Collection method: clinical testing. Allele origin: germline. Not counted in ClinVar's aggregate classification.
Comment: Variant summary: GAA c.1802C>T (p.Ser601Leu) results in a non-conservative amino acid change in the encoded protein sequence. Five of five in-silico tools predict a damaging effect of the variant on protein function. The variant allele was found at a frequency of 1.3e-05 in 150998 control chromosomes (gnomAD). c.1802C>T has been reported in the literature in multiple individuals affected with Glycogen Storage Disease, Type 2 (Pompe Disease) from different ethnicities (e.g. Chen_2017, Bali_2012, Herzog_2012, Monies_2019). These data indicate that the variant is very likely to be associated with disease. At least one publication reported experimental evidence evaluating an impact on protein function, and demonstrated that the variant caused a significant decrease in protein levels and in enzymatic activity (Kroos_2012). Two clinical diagnostic laboratories have submitted clinical-significance assessments for this variant to ClinVar after 2014 without evidence for independent evaluation. All laboratories classified the variant as pathogenic (n=1) / likely pathogenic (n=1). Based on the evidence outlined above, the variant was classified as pathogenic.

Broad Center for Mendelian Genomics, Broad Institute of MIT and Harvard
Classification: Likely pathogenic for Glycogen storage disease, type II. Last evaluated: 2020-01-22. Review status: criteria provided, single submitter. Criteria: ACMG Guidelines, 2015. Collection method: curation. Allele origin: germline. Inheritance: Autosomal recessive inheritance. Not counted in ClinVar's aggregate classification.
Comment: The p.Ser601Leu variant in GAA has been reported in 2 Saudi Arabian and 1 German individuals with Glycogen Storage Disease II (PMID: 30023291, 22676651) and has also been reported pathogenic by EGL in ClinVar (Variation ID: 194154). This variant has been identified in 0.062% (1/1620) of East Asian chromosomes by the Genome Aggregation Database (gnomAD; dbSNP rs374470794). Although this variant has been seen in the general population, its frequency is low enough to be consistent with a recessive carrier frequency. In vitro functional studies provide some evidence that the p.Ser601Leu variant may impact GAA activity and protein levels (PMID: 22644586). However, these types of assays may not accurately represent biological function. Computational prediction tools and conservation analyses suggest that this variant may impact the protein, though this information is not predictive enough to determine pathogenicity. One additional variant at the the same position, p.Ser601Trp, has been curated likely pathogenic by our study, slightly supporting that a change at this position may not be tolerated (Variation ID: 501793; PMID: 17056254). The presence of this variant in combination with a reported pathogenic variant in an individual with Glycogen Storage Disease II slightly increases the likelihood that the p.Ser601Leu variant is pathogenic (PMID: 22676651). The phenotype of a compound heterozygous variant is highly specific for Glycogen Storage Disease II based on GAA activity assays with lymphocytes (PMID: 22676651). In summary, although additional studies are required to fully establish its clinical significance, this variant is likely pathogenic. ACMG/AMP Criteria applied: PS3, PM3_Supporting, PM2, PM5_Supporting, PP3, PP4 (Richards 2015).

Eurofins Ntd Llc (ga)
Classification: Pathogenic. Last evaluated: 2014-11-19. Review status: criteria provided, single submitter. Criteria: EGL Classification Definitions 2015. Collection method: clinical testing. Allele origin: germline. Observed: 1 variant allele, 1 heterozygote. Not counted in ClinVar's aggregate classification.

Juno Genomics, Hangzhou Juno Genomics, Inc
Classification: Pathogenic for Glycogen storage disease, type II. Review status: criteria provided, single submitter. Criteria: ACMG Guidelines, 2015. Collection method: clinical testing. Allele origin: germline. Affected: yes. Not counted in ClinVar's aggregate classification.
Comment: Absent from controls (or at extremely low frequency if recessive) in Genome Aggregation Database, Exome Sequencing Project, 1000 Genomes Project, or Exome Aggregation Consortium.;For recessive disorders, detected in trans with a pathogenic variant.;Patient's phenotype or family history is highly specific for a disease with a single genetic etiology.;Well-established in vitro or in vivo functional studies supportive of a damaging effect on the gene or gene product.

Literature cited by the submitters: PubMed 35833019 (cited by Genomenon, Inc); PubMed 34734785 (cited by Genomenon, Inc); PubMed 33996274 (cited by Genomenon, Inc); PubMed 33073009 (cited by Genomenon, Inc); PubMed 31899940 (cited by Genomenon, Inc and Women's Health and Genetics/Laboratory Corporation of America, LabCorp); PubMed 30023291 (cited by Genomenon, Inc and Broad Center for Mendelian Genomics, Broad Institute of MIT and Harvard); PubMed 25139343 (cited by Genomenon, Inc); PubMed 28394184 (cited by 4 submitters); PubMed 25396301 (cited by Genomenon, Inc); PubMed 22658377 (cited by Genomenon, Inc); PubMed 22081099 (cited by Genomenon, Inc); PubMed 22644586 (cited by 5 submitters); PubMed 22252923 (cited by 3 submitters); PubMed 22676651 (cited by 3 submitters); PubMed 31342611 (cited by Women's Health and Genetics/Laboratory Corporation of America, LabCorp); PubMed 31130284 (cited by Women's Health and Genetics/Laboratory Corporation of America, LabCorp); PubMed 23787031 (cited by Eurofins Ntd Llc (ga)).